The following is an entry in ClinVar:

ClinVar aggregate classification (germline): Uncertain significance. Review status: criteria provided, multiple submitters, no conflicts (2 of 4 stars). 3 submissions from 3 submitters: Uncertain significance (3). Last evaluated 2024-07-25.

Allele frequency attached by ClinVar (database versions not stated): gnomAD 0.00001; TOPMed 0.00001; gnomAD exomes 0.00003; ESP Exome Variant Server 0.00008.
gnomAD v4.1: 46 of 1,613,208 alleles (0.0029%); highest among the groups gnomAD compares: Non-Finnish European, 0.0037%; no homozygotes.

Submissions (3):

GeneDx
Classification: Uncertain significance. Last evaluated: 2024-07-25. Review status: criteria provided, single submitter. Criteria: GeneDx Variant Classification Process June 2021. Collection method: clinical testing. Allele origin: germline. Affected: yes.
Comment: Not observed at significant frequency in large population cohorts (gnomAD); In silico analysis supports that this missense variant has a deleterious effect on protein structure/function; Has not been previously published as pathogenic or benign to our knowledge

Ambry Genetics
Classification: Uncertain significance. Last evaluated: 2023-10-16. Review status: criteria provided, single submitter. Criteria: Ambry Variant Classification Scheme 2023. Collection method: clinical testing. Allele origin: germline.

Labcorp Genetics (formerly Invitae), Labcorp
Classification: Uncertain significance. Last evaluated: 2022-07-30. Review status: criteria provided, single submitter. Criteria: Invitae Variant Classification Sherloc (09022015). Collection method: clinical testing. Allele origin: germline.
Comment: This sequence change replaces leucine, which is neutral and non-polar, with proline, which is neutral and non-polar, at codon 771 of the SBF1 protein (p.Leu771Pro). This variant is present in population databases (rs374958663, gnomAD 0.002%). This variant has not been reported in the literature in individuals affected with SBF1-related conditions. Algorithms developed to predict the effect of missense changes on protein structure and function are either unavailable or do not agree on the potential impact of this missense change (SIFT: "Deleterious"; PolyPhen-2: "Probably Damaging"; Align-GVGD: "Class C0"). In summary, the available evidence is currently insufficient to determine the role of this variant in disease. Therefore, it has been classified as a Variant of Uncertain Significance.

NM_002972.4(SBF1):c.2312T>C (p.Leu771Pro)

Gene: SBF1 (SET binding factor 1; minus strand). Cytogenetic location: 22q13.33.
Variant type: single nucleotide variant.
Coding change: c.2312T>C on transcript NM_002972.4 (MANE Select); coding-DNA position 2312, T replaced by C.
Protein change: p.Leu771Pro; replaces leucine 771 with proline.
Molecular consequence: missense variant.
Genome position (GRCh38, 1-based): chr22:50,462,289, A>G on the plus strand (T>C on the coding strand, the complement: SBF1 is on the minus strand). VCF-style: chr22-50462289-A-G. GRCh37 (hg19) VCF-style: chr22-50900718-A-G.
Other names: c.2315T>C, p.Leu772Pro (NM_001365819.1, NM_001410794.1); c.2312T>C, p.Leu771Pro (NM_001410795.1, NM_197971.1); c.2312T>C (NM_002972.2); short protein forms L772P, L771P.
Identifiers: ClinVar variation 1984203 (VCV001984203.3), dbSNP rs374958663, ClinGen allele CA325532641.